The following is an entry in ClinVar:

ClinVar aggregate classification (germline): Uncertain significance. Review status: criteria provided, multiple submitters, no conflicts (2 of 4 stars). 2 submissions from 2 submitters: Uncertain significance (2). Last evaluated 2023-09-09.

Conditions:
Hereditary cancer-predisposing syndrome. Also called: Hereditary neoplastic syndrome; Neoplastic Syndromes, Hereditary; Hereditary Cancer Syndrome; Tumor predisposition. Identifiers: Orphanet 140162, MedGen C0027672, MeSH D009386, MONDO:0015356.
Medulloblastoma (MDB). Also called: MEDULLOBLASTOMA PREDISPOSITION SYNDROME; Medulloblastoma, somatic. Identifiers: Orphanet 616, MedGen C0025149, MeSH D008527, MONDO:0007959, OMIM 155255, HP:0002885.
Gorlin syndrome. Also called: Nevoid Basal Cell Carcinoma Syndrome; Basal cell nevus syndrome. Identifiers: Orphanet 377, MedGen C0004779, MONDO:0007187.

Allele frequency attached by ClinVar (database versions not stated): gnomAD exomes below 0.00001; ExAC 0.00001; gnomAD 0.00001.
gnomAD v4.1: 1 of 1,613,834 alleles (0.000062%); highest among the groups gnomAD compares: African/African-American, 0.0013%; no homozygotes.

Submissions (2):

Labcorp Genetics (formerly Invitae), Labcorp
Classification: Uncertain significance for Gorlin syndrome; Medulloblastoma. Last evaluated: 2023-09-09. Review status: criteria provided, single submitter. Criteria: Invitae Variant Classification Sherloc (09022015). Collection method: clinical testing. Allele origin: germline.
Comment: This variant has not been reported in the literature in individuals affected with SUFU-related conditions. In summary, the available evidence is currently insufficient to determine the role of this variant in disease. Therefore, it has been classified as a Variant of Uncertain Significance. Advanced modeling of protein sequence and biophysical properties (such as structural, functional, and spatial information, amino acid conservation, physicochemical variation, residue mobility, and thermodynamic stability) performed at Invitae indicates that this missense variant is not expected to disrupt SUFU protein function. ClinVar contains an entry for this variant (Variation ID: 1391971). This variant is present in population databases (rs772598822, gnomAD 0.008%). This sequence change replaces aspartic acid, which is acidic and polar, with glycine, which is neutral and non-polar, at codon 276 of the SUFU protein (p.Asp276Gly).

Ambry Genetics
Classification: Uncertain significance for Hereditary cancer-predisposing syndrome. Last evaluated: 2021-07-23. Review status: criteria provided, single submitter. Criteria: Ambry Variant Classification Scheme 2023. Collection method: clinical testing. Allele origin: germline.
Comment: The p.D276G variant (also known as c.827A>G), located in coding exon 7 of the SUFU gene, results from an A to G substitution at nucleotide position 827. The aspartic acid at codon 276 is replaced by glycine, an amino acid with similar properties. This amino acid position is highly conserved in available vertebrate species. In addition, the in silico prediction for this alteration is inconclusive. Since supporting evidence is limited at this time, the clinical significance of this alteration remains unclear.

NM_016169.4(SUFU):c.827A>G (p.Asp276Gly)

Gene: SUFU (SUFU negative regulator of hedgehog signaling; plus strand). Cytogenetic location: 10q24.32.
Variant type: single nucleotide variant.
Coding change: c.827A>G on transcript NM_016169.4 (MANE Select); coding-DNA position 827, A replaced by G.
Protein change: p.Asp276Gly; replaces aspartic acid 276 with glycine.
Molecular consequence: missense variant.
Genome position (GRCh38, 1-based): chr10:102,597,210, A>G. VCF-style: chr10-102597210-A-G. GRCh37 (hg19) VCF-style: chr10-104356967-A-G.
Other names: c.827A>G, p.Asp276Gly (NM_001178133.2); short protein forms D276G.
Identifiers: ClinVar variation 1391971 (VCV001391971.10), dbSNP rs772598822, ClinGen allele CA5667778.